The following is an entry in ClinVar:

ClinVar aggregate classification (germline): Conflicting classifications of pathogenicity. Review status: criteria provided, conflicting classifications (1 of 4 stars). 2 submissions from 2 submitters: Uncertain significance (1); Likely benign (1). Last evaluated 2017-04-24.

Submissions (2):

Eurofins Ntd Llc (ga)
Classification: Uncertain significance. Last evaluated: 2017-04-24. Review status: criteria provided, single submitter. Criteria: EGL Classification Definitions 2015. Collection method: clinical testing. Allele origin: germline. Observed: 1 variant allele, 1 heterozygote.

GeneDx
Classification: Likely benign. Last evaluated: 2017-04-13. Review status: criteria provided, single submitter. Criteria: GeneDx Variant Classification (06012015). Collection method: clinical testing. Allele origin: germline. Affected: yes.
Comment: This variant is considered likely benign or benign based on one or more of the following criteria: it is a conservative change, it occurs at a poorly conserved position in the protein, it is predicted to be benign by multiple in silico algorithms, and/or has population frequency not consistent with disease.

NM_182961.4(SYNE1):c.10869C>T (p.Pro3623=)

Gene: SYNE1 (spectrin repeat containing nuclear envelope protein 1; minus strand). Cytogenetic location: 6q25.2.
Variant type: single nucleotide variant.
Coding change: c.10869C>T on transcript NM_182961.4 (MANE Select); coding-DNA position 10869, C replaced by T.
Protein change: p.Pro3623=; no amino-acid change (proline 3623 retained).
Molecular consequence: synonymous variant. On other transcripts: intron variant (1).
Genome position (GRCh38, 1-based): chr6:152,354,716, G>A on the plus strand (C>T on the coding strand, the complement: SYNE1 is on the minus strand). VCF-style: chr6-152354716-G-A. GRCh37 (hg19) VCF-style: chr6-152675851-G-A.
Other names: c.10881+9C>T (NM_033071.5).
Identifiers: ClinVar variation 501481 (VCV000501481.5), dbSNP rs1554523565, ClinGen allele CA452752594.